The following is an entry in ClinVar:

NM_001277115.2(DNAH11):c.3307dup (p.Arg1103fs)

Genes: DNAH11 (dynein axonemal heavy chain 11; plus strand), LOC126859961 (BRD4-independent group 4 enhancer GRCh37_chr7:21639662-21640861; plus strand). Cytogenetic location: 7p15.3.
Variant type: Duplication.
Coding change: c.3307dup on transcript NM_001277115.2 (MANE Select); coding-DNA position 3307, one base duplicated (A; older notation c.3307dupA).
Protein change: p.Arg1103fs; shifts the reading frame from arginine 1103.
Molecular consequence: frameshift variant.
Genome position (GRCh38, 1-based): chr7:21,601,061, A duplicated. VCF-style (leftmost placement, unchanged base first): chr7-21601060-T-TA. GRCh37 (hg19) VCF-style: chr7-21640678-T-TA.
Other names: c.3307dup, p.Arg1103Lysfs (NM_003777.3); short protein forms R1103fs.
Identifiers: ClinVar variation 2700012 (VCV002700012.3), dbSNP rs2534633649, ClinGen allele CA2697557139.

ClinVar aggregate classification (germline): Pathogenic (1 of 4 stars; one submission).

Conditions:
Primary ciliary dyskinesia. Also called: Ciliary dyskinesia. Identifiers: Orphanet 244, MedGen C0008780, MONDO:0016575, HP:0012265.

Submission:

Labcorp Genetics (formerly Invitae), Labcorp
Classification: Pathogenic for Primary ciliary dyskinesia. Last evaluated: 2023-06-09. Review status: criteria provided, single submitter. Criteria: Invitae Variant Classification Sherloc (09022015). Collection method: clinical testing. Allele origin: germline.
Comment: This variant has not been reported in the literature in individuals affected with DNAH11-related conditions. For these reasons, this variant has been classified as Pathogenic. This sequence change creates a premature translational stop signal (p.Arg1103Lysfs*4) in the DNAH11 gene. It is expected to result in an absent or disrupted protein product. Loss-of-function variants in DNAH11 are known to be pathogenic (PMID: 18022865, 20513915, 22184204). This variant is not present in population databases (gnomAD no frequency).

Literature cited by the submitters: PubMed 18022865; PubMed 20513915; PubMed 22184204.